The following is an entry in ClinVar:

ClinVar aggregate classification (germline): Uncertain significance (1 of 4 stars; one submission).

Conditions:
Inborn genetic diseases. Identifiers: MedGen C0950123, MeSH D030342.

Submission:

Ambry Genetics
Classification: Uncertain significance for Inborn genetic diseases. Last evaluated: 2025-06-21. Review status: criteria provided, single submitter. Criteria: Ambry Variant Classification Scheme 2023. Collection method: clinical testing. Allele origin: germline.
Comment: The p.P1358R variant (also known as c.4073C>G), located in coding exon 13 of the ASXL1 gene, results from a C to G substitution at nucleotide position 4073. The proline at codon 1358 is replaced by arginine, an amino acid with dissimilar properties. This amino acid position is conserved. In addition, this alteration is predicted to be tolerated by in silico analysis. Based on the available evidence, the clinical significance of this variant remains unclear.

NM_015338.6(ASXL1):c.4073C>G (p.Pro1358Arg)

Gene: ASXL1 (ASXL transcriptional regulator 1; plus strand). Cytogenetic location: 20q11.21.
Variant type: single nucleotide variant.
Coding change: c.4073C>G on transcript NM_015338.6 (MANE Select); coding-DNA position 4073, C replaced by G.
Protein change: p.Pro1358Arg; replaces proline 1358 with arginine.
Molecular consequence: missense variant.
Genome position (GRCh38, 1-based): chr20:32,436,785, C>G. VCF-style: chr20-32436785-C-G. GRCh37 (hg19) VCF-style: chr20-31024588-C-G.
Other names: c.3890C>G, p.Pro1297Arg (NM_001363734.1); short protein forms P1297R, P1358R.
Identifiers: ClinVar variation 4157806 (VCV004157806.1).